The following is an entry in ClinVar:

ClinVar aggregate classification (germline): Benign/Likely benign. Review status: criteria provided, multiple submitters, no conflicts (2 of 4 stars). 8 submissions from 8 submitters: Benign (2); Likely benign (4). 2 of the submissions do not count toward it. Last evaluated 2026-08-01.

Conditions:
INF2-related disorder. Also called: INF2-related condition.
Inborn genetic diseases. Identifiers: MedGen C0950123, MeSH D030342.
Charcot-Marie-Tooth disease dominant intermediate E. Also called: CHARCOT-MARIE-TOOTH NEUROPATHY WITH FOCAL SEGMENTAL GLOMERULONEPHRITIS. Identifiers: Orphanet 93114, MedGen C4302667, MONDO:0013758, OMIM 614455.
Focal segmental glomerulosclerosis 5 (FSGS5). Identifiers: Orphanet 656, MedGen C2750475, MONDO:0013191, OMIM 613237.

Allele frequency attached by ClinVar (database versions not stated): 1000 Genomes Project 0.00020; gnomAD exomes 0.00021 and 0.00025; ESP Exome Variant Server 0.00024; ExAC 0.00026; 1000 Genomes Project 30x 0.00031; gnomAD 0.00031 and 0.00033; TOPMed 0.00039.
gnomAD v4.1: 369 of 1,612,582 alleles (0.023%); highest among the groups gnomAD compares: Admixed American, 0.085%; no homozygotes.

Submissions (8):

CeGaT Center for Human Genetics Tuebingen
Classification: Benign. Last evaluated: 2026-08-01. Review status: criteria provided, single submitter. Criteria: CeGaT Center For Human Genetics Tuebingen Variant Classification Criteria Version 2. Collection method: clinical testing. Allele origin: germline. Affected: yes. Observed: 2 variant alleles.
Comment: INF2: BP4, BS1, BS2

Women's Health and Genetics/Laboratory Corporation of America, LabCorp
Classification: Likely benign. Last evaluated: 2026-05-29. Review status: criteria provided, single submitter. Criteria: LabCorp Variant Classification Summary - May 2015. Collection method: clinical testing. Allele origin: germline.
Comment: Variant summary: INF2 c.2509C>T (p.Arg837Cys) results in a non-conservative amino acid change in the encoded protein sequence. Algorithms developed to predict the effect of missense changes on protein structure and function are either unavailable or do not agree on the potential impact of this missense change. The variant allele was found at a frequency of 0.00025 in 247214 control chromosomes, predominantly at a frequency of 0.00078 within the Latino subpopulation in the gnomAD database. The observed variant frequency within Latino control individuals in the gnomAD database exceeds the estimated maximal expected allele frequency for disease-causing variants in INF2. To our knowledge, no occurrence of c.2509C>T in individuals affected with INF2-related conditions and no experimental evidence demonstrating its impact on protein function have been reported. ClinVar contains an entry for this variant (Variation ID: 540055). Based on the evidence outlined above, the variant was classified as likely benign.

Labcorp Genetics (formerly Invitae), Labcorp
Classification: Likely benign for Charcot-Marie-Tooth disease dominant intermediate E; Focal segmental glomerulosclerosis 5. Last evaluated: 2025-11-18. Review status: criteria provided, single submitter. Criteria: Invitae Variant Classification Sherloc (09022015). Collection method: clinical testing. Allele origin: germline.

Mayo Clinic Laboratories, Mayo Clinic
Classification: Likely benign. Last evaluated: 2025-05-20. Review status: criteria provided, single submitter. Criteria: ACMG Guidelines, 2015. Collection method: clinical testing. Allele origin: germline. Observed: 1 variant allele.
Comment: BS2, BP4

Ambry Genetics
Classification: Likely benign for Inborn genetic diseases. Last evaluated: 2019-10-15. Review status: criteria provided, single submitter. Criteria: Ambry Variant Classification Scheme 2023. Collection method: clinical testing. Allele origin: germline.

Illumina Laboratory Services, Illumina
Classification: Benign for Focal segmental glomerulosclerosis 5. Last evaluated: 2018-01-13. Review status: criteria provided, single submitter. Criteria: ICSL Variant Classification Criteria 13 December 2019. Collection method: clinical testing. Allele origin: germline.
Comment: This variant was observed in the ICSL laboratory as part of a predisposition screen in an ostensibly healthy population. It had not been previously curated by ICSL or reported in the Human Gene Mutation Database (HGMD: prior to June 1st, 2018), and was therefore a candidate for classification through an automated scoring system. Utilizing variant allele frequency, disease prevalence and penetrance estimates, and inheritance mode, an automated score was calculated to assess if this variant is too frequent to cause the disease. Based on the score and internal cut-off values, a variant classified as benign is not then subjected to further curation. The score for this variant resulted in a classification of benign for this disease.

PreventionGenetics, part of Exact Sciences
Classification: Likely benign for INF2-related condition. Last evaluated: 2022-12-20. Review status: no assertion criteria provided. Collection method: clinical testing. Allele origin: germline. Not counted in ClinVar's aggregate classification.
Comment: This variant is classified as likely benign based on ACMG/AMP sequence variant interpretation guidelines (Richards et al. 2015 PMID: 25741868, with internal and published modifications).

Bioscientia Institut fuer Medizinische Diagnostik GmbH, Sonic Healthcare
Classification: Uncertain significance for Focal segmental glomerulosclerosis 5. Last evaluated: 2019-02-04. Review status: no assertion criteria provided. Collection method: clinical testing. Allele origin: germline. Affected: yes. Not counted in ClinVar's aggregate classification.

Literature cited by the submitters: PubMed 26215859 (cited by Mayo Clinic Laboratories, Mayo Clinic).

NM_022489.4(INF2):c.2509C>T (p.Arg837Cys)

Gene: INF2 (inverted formin 2; plus strand). Cytogenetic location: 14q32.33.
Variant type: single nucleotide variant.
Coding change: c.2509C>T on transcript NM_022489.4 (MANE Select); coding-DNA position 2509, C replaced by T.
Protein change: p.Arg837Cys; replaces arginine 837 with cysteine.
Molecular consequence: missense variant.
Genome position (GRCh38, 1-based): chr14:104,712,452, C>T. VCF-style: chr14-104712452-C-T. GRCh37 (hg19) VCF-style: chr14-105178789-C-T.
Other names: p.Arg837Cys; c.2509C>T, p.Arg837Cys (NM_001031714.4); short protein forms R837C.
Identifiers: ClinVar variation 540055 (VCV000540055.49), dbSNP rs201534539, ClinGen allele CA7372967.
Genomic context (GRCh38, chr14:104,712,452, plus strand): 5'-TCAGCCGTTGCTGTCTCTGCCCGGCCCTCCTCACCTTTCAGGATCAACCTGGAGATCATC[C>T]GCTCAGAGGCCAGCTCCAACCTGAAGAAGCTTCTGGAGACCGAGCGGAAGGTGTCTGCCT-3'
Protein context (NP_071934.3, residues 827-847): QAAGINLEII[Arg837Cys]SEASSNLKKL